The following is an entry in ClinVar:

NM_001267550.2(TTN):c.92561T>C (p.Ile30854Thr)

Genes: TTN (titin; minus strand), TTN-AS1 (TTN antisense RNA 1; plus strand). Cytogenetic location: 2q31.2.
Variant type: single nucleotide variant.
Coding change: c.92561T>C on transcript NM_001267550.2 (MANE Select); coding-DNA position 92561, T replaced by C.
Protein change: p.Ile30854Thr; replaces isoleucine 30854 with threonine.
Molecular consequence: missense variant.
Genome position (GRCh38, 1-based): chr2:178,549,065, A>G on the plus strand (T>C on the coding strand, the complement: TTN is on the minus strand). VCF-style: chr2-178549065-A-G. GRCh37 (hg19) VCF-style: chr2-179413792-A-G.
Other names: c.84857T>C, p.Ile28286Thr (NM_133378.4); c.87638T>C, p.Ile29213Thr (NM_001256850.1); c.65366T>C, p.Ile21789Thr (NM_003319.4); c.65741T>C, p.Ile21914Thr (NM_133432.3); c.65942T>C, p.Ile21981Thr (NM_133437.4); short protein forms I30854T, I28286T, I21914T, I21981T, I21789T, I29213T.
Identifiers: ClinVar variation 47526 (VCV000047526.14), dbSNP rs368427408, ClinGen allele CA141270.
Genomic context (GRCh38, chr2:178,549,065, plus strand): 5'-TCTGCATTCACCTTGTGCCAGTCTCCTAAGTCGGCCTTACACATTTCAATAATATACCCA[A>G]TTATTTCCATGCCACCATCAAACACTGGTTTGGACCATTCTAAGCTCACAGTTGTCTTTG-3'
Protein context (NP_001254479.2, residues 30844-30864): KPVFDGGMEI[Ile30854Thr]GYIIEMCKAD

ClinVar aggregate classification (germline): Uncertain significance. Review status: criteria provided, multiple submitters, no conflicts (2 of 4 stars). 5 submissions from 5 submitters: Uncertain significance (5). Last evaluated 2025-06-11.

Conditions:
TTN-related disorder. Also called: TTN-related condition; TTN-related disease; TTN-related disorders.
Myopathy, myofibrillar, 9, with early respiratory failure (MFM9). Also called: Hereditary myopathy with early respiratory failure; EDSTROM MYOPATHY; MYOPATHY, PROXIMAL, WITH EARLY RESPIRATORY MUSCLE INVOLVEMENT; Myopathy, distal, with early respiratory failure, autosomal dominant. Identifiers: Orphanet 178464, Orphanet 34521, MedGen C1863599, MONDO:0011362, OMIM 603689.
Autosomal recessive limb-girdle muscular dystrophy type 2J (LGMDR10). Also called: Limb-girdle muscular dystrophy, type 2J; MUSCULAR DYSTROPHY, LIMB-GIRDLE, AUTOSOMAL RECESSIVE 10. Identifiers: Orphanet 140922, MedGen C1837342, MONDO:0012127, OMIM 608807.
Early-onset myopathy with fatal cardiomyopathy (CMYO5). Also called: Salih Myopathy; CONGENITAL MYOPATHY 5 WITH CARDIOMYOPATHY. Identifiers: Orphanet 289377, MedGen C2673677, MONDO:0012714, OMIM 611705. Disease mechanism: loss of function.
Hypertrophic cardiomyopathy 9. Also called: Familial hypertrophic cardiomyopathy 9. Identifiers: MedGen C1861065, MONDO:0013412, OMIM 613765.
Dilated cardiomyopathy 1G (CMD1G). Identifiers: Orphanet 154, MedGen C1858763, MONDO:0011400, OMIM 604145.
Tibial muscular dystrophy (TMD). Also called: Tibial muscular dystrophy, tardive; UDD MYOPATHY; Udd Distal Myopathy – Tibial Muscular Dystrophy. Identifiers: Orphanet 609, MedGen C1838244, MONDO:0010870, OMIM 600334.

Allele frequency attached by ClinVar (database versions not stated): ExAC 0.00002; gnomAD exomes 0.00002 and 0.00003; TOPMed 0.00002; gnomAD 0.00003 and 0.00004; ESP Exome Variant Server 0.00008.
gnomAD v4.1: 35 of 1,613,710 alleles (0.0022%); highest among the groups gnomAD compares: South Asian, 0.015%; no homozygotes.

Submissions (5):

PreventionGenetics, part of Exact Sciences
Classification: Uncertain significance for TTN-related condition. Last evaluated: 2025-06-11. Review status: criteria provided, single submitter. Criteria: ACMG Guidelines, 2015. Collection method: clinical testing. Allele origin: germline.
Comment: The TTN c.92561T>C variant is predicted to result in the amino acid substitution p.Ile30854Thr. To our knowledge, this variant has not been reported in the literature. This variant is reported in 0.0098% of alleles in individuals of South Asian descent in gnomAD. At this time, the clinical significance of this variant is uncertain due to the absence of conclusive functional and genetic evidence.

Revvity Omics, Revvity
Classification: Uncertain significance. Last evaluated: 2019-04-11. Review status: criteria provided, single submitter. Criteria: ACMG Guidelines, 2015. Collection method: clinical testing. Allele origin: germline.

Fulgent Genetics
Classification: Uncertain significance for Tibial muscular dystrophy; Myopathy, myofibrillar, 9, with early respiratory failure; Dilated cardiomyopathy 1G; Autosomal recessive limb-girdle muscular dystrophy type 2J; Early-onset myopathy with fatal cardiomyopathy; Hypertrophic cardiomyopathy 9. Last evaluated: 2018-10-31. Review status: criteria provided, single submitter. Criteria: ACMG Guidelines, 2015. Collection method: clinical testing. Allele origin: unknown.

Eurofins Ntd Llc (ga)
Classification: Uncertain significance. Last evaluated: 2015-07-10. Review status: criteria provided, single submitter. Criteria: EGL Classification Definitions 2015. Collection method: clinical testing. Allele origin: germline. Observed: 1 variant allele, 1 heterozygote.

Laboratory for Molecular Medicine, Mass General Brigham Personalized Medicine
Classification: Uncertain significance. Last evaluated: 2013-01-02. Review status: criteria provided, single submitter. Criteria: LMM Criteria. Collection method: clinical testing. Allele origin: germline. Observed: 2 variant alleles.
Comment: This varian t has been identified in 1/8296 European American chromosomes from a broad popul ation by the NHLBI Exome Sequencing Project. Isoleucine (Ile) at position 28286 is conserved in evolution, though 1 mammalia n species (hedgehog) carries the variant amino acid (Thr) at this position, rais ing the possibility that this change may be tolerated. Computational analyses (b iochemical amino acid properties, AlignGVGD, PolyPhen2, and SIFT) suggest that t he Ile28286Thr variant may not impact the protein, though this information is no t predictive enough to rule out pathogenicity. Additional information is needed to fully assess the clinical significance of the Ile28286Thr variant.